The following is an entry in ClinVar:

ClinVar aggregate classification (germline): Likely benign. Review status: criteria provided, multiple submitters, no conflicts (2 of 4 stars). 2 submissions from 2 submitters: Likely benign (2). Last evaluated 2026-04-01.

Conditions:
FZR1-related condition.

gnomAD v4.1: 941 of 1,612,400 alleles (0.058%); highest among the groups gnomAD compares: African/African-American, 0.52%; 3 homozygotes.

Submissions (2):

CeGaT Center for Human Genetics Tuebingen
Classification: Likely benign. Last evaluated: 2026-04-01. Review status: criteria provided, single submitter. Criteria: CeGaT Center For Human Genetics Tuebingen Variant Classification Criteria Version 2. Collection method: clinical testing. Allele origin: germline. Affected: yes. Observed: 1 variant allele.
Comment: FZR1: BP4, BP7

PreventionGenetics, part of Exact Sciences
Classification: Likely benign for FZR1-related condition. Last evaluated: 2025-02-25. Review status: criteria provided, single submitter. Criteria: ACMG Guidelines, 2015. Collection method: clinical testing. Allele origin: germline.
Comment: This variant is classified as likely benign based on ACMG/AMP sequence variant interpretation guidelines (Richards et al. 2015 PMID: 25741868, with internal and published modifications).

NM_016263.4(FZR1):c.540C>T (p.Asp180=)

Gene: FZR1 (fizzy and cell division cycle 20 related 1; plus strand). Cytogenetic location: 19p13.3.
Variant type: single nucleotide variant.
Coding change: c.540C>T on transcript NM_016263.4 (MANE Select); coding-DNA position 540, C replaced by T.
Protein change: p.Asp180=; no amino-acid change (aspartic acid 180 retained).
Molecular consequence: synonymous variant. On other transcripts: intron variant (1).
Genome position (GRCh38, 1-based): chr19:3,527,700, C>T. VCF-style: chr19-3527700-C-T. GRCh37 (hg19) VCF-style: chr19-3527698-C-T.
Other names: c.540C>T, p.Asp180= (NM_001136198.1); c.387+1314C>T (NM_001136197.1).
Identifiers: ClinVar variation 4872022 (VCV004872022.3).
Genomic context (GRCh38, chr19:3,527,700, plus strand): 5'-GCTCCGGTCCCCCCGGAAACCCACCCGCAAGATCTCCAAGATCCCCTTCAAGGTGCTGGA[C>T]GCGCCCGAGCTGCAGGACGACTTCTACCTCAATCTGGTGGACTGGTCGTCCCTCAATGTG-3'
Protein context (NP_057347.2, residues 170-190): KISKIPFKVL[Asp180=]APELQDDFYL